The following is an entry in ClinVar:

ClinVar aggregate classification (germline): Likely benign (1 of 4 stars; one submission).

Allele frequency attached by ClinVar (database versions not stated): gnomAD 0.00005 and 0.00006; gnomAD exomes 0.00007 and 0.00030; TOPMed 0.00008; ExAC 0.00029; 1000 Genomes Project 0.00040; 1000 Genomes Project 30x 0.00047.
gnomAD v4.1: 114 of 1,608,948 alleles (0.0071%); highest among the groups gnomAD compares: East Asian, 0.12%; no homozygotes.

Submission:

GeneDx
Classification: Likely benign. Last evaluated: 2021-11-04. Review status: criteria provided, single submitter. Criteria: GeneDx Variant Classification Process June 2021. Collection method: clinical testing. Allele origin: germline. Affected: yes.
Comment: See Variant Classification Assertion Criteria.

NM_133261.3(GIPC3):c.411+25G>A

Gene: GIPC3 (GIPC PDZ domain containing family member 3; plus strand). Cytogenetic location: 19p13.3.
Variant type: single nucleotide variant.
Coding change: c.411+25G>A on transcript NM_133261.3 (MANE Select); 25 bases into the intron after coding-DNA position 411, G replaced by A.
Molecular consequence: intron variant.
Genome position (GRCh38, 1-based): chr19:3,586,705, G>A. VCF-style: chr19-3586705-G-A. GRCh37 (hg19) VCF-style: chr19-3586703-G-A.
Identifiers: ClinVar variation 1683945 (VCV001683945.2), dbSNP rs557145939, ClinGen allele CA9080393.
Genomic context (GRCh38, chr19:3,586,705, plus strand): 5'-ATCACGGACAACGGGGCTGGCTACGCCTTCATCAAGGTGCCCGGGAGGGGGTGGGCGGGT[G>A]GCTTCCTGGGGTCCAGCAACTGCCCCCCCCACTCTGGGTCGACGTGGGTTCTGCGGATTG-3'